The following is an entry in ClinVar:

NM_206933.4(USH2A):c.3911_3917del (p.Ser1304fs)

Genes: USH2A (usherin; minus strand), USH2A-AS1 (USH2A antisense RNA 1; plus strand). Cytogenetic location: 1q41.
Variant type: Deletion.
Coding change: c.3911_3917del on transcript NM_206933.4 (MANE Select); coding-DNA positions 3911 to 3917, 7 bases deleted (GTCCTCA; older notation c.3911_3917delGTCCTCA).
Protein change: p.Ser1304fs; shifts the reading frame from serine 1304.
Molecular consequence: frameshift variant.
Genome position (GRCh38, 1-based): chr1:216,198,479-216,198,485, TGAGGAC deleted on the plus strand (GTCCTCA on the coding strand, the reverse complement: USH2A is on the minus strand); deleting any 7 consecutive bases within chr1:216,198,479-216,198,489 gives the same sequence; the c. name uses the placement nearest the transcript's 3' end. VCF-style (leftmost placement, unchanged base first): chr1-216198478-ATGAGGAC-A. GRCh37 (hg19) VCF-style: chr1-216371820-ATGAGGAC-A.
Other names: c.3911_3917del, p.Ser1304fs (NM_007123.6); short protein forms S1304fs.
Identifiers: ClinVar variation 1074376 (VCV001074376.7), dbSNP rs2034905123, ClinGen allele CA1012219121.

ClinVar aggregate classification (germline): Pathogenic (1 of 4 stars; one submission).

Submission:

Labcorp Genetics (formerly Invitae), Labcorp
Classification: Pathogenic. Last evaluated: 2025-10-13. Review status: criteria provided, single submitter. Criteria: Invitae Variant Classification Sherloc (09022015). Collection method: clinical testing. Allele origin: germline.
Comment: This sequence change creates a premature translational stop signal (p.Ser1304Ilefs*4) in the USH2A gene. It is expected to result in an absent or disrupted protein product. Loss-of-function variants in USH2A are known to be pathogenic (PMID: 10729113, 10909849, 20507924, 25649381). This variant is not present in population databases (gnomAD no frequency). This variant has not been reported in the literature in individuals affected with USH2A-related conditions. ClinVar contains an entry for this variant (Variation ID: 1074376). Algorithms developed to predict the effect of sequence changes on RNA splicing suggest that this variant may disrupt the consensus splice site. For these reasons, this variant has been classified as Pathogenic.

Literature cited by the submitters: PubMed 10729113; PubMed 10909849; PubMed 20507924; PubMed 25649381.